The following is an entry in ClinVar:

NM_020822.3(KCNT1):c.1423G>A (p.Ala475Thr)

Gene: KCNT1 (potassium sodium-activated channel subfamily T member 1; plus strand). Cytogenetic location: 9q34.3.
Variant type: single nucleotide variant.
Coding change: c.1423G>A on transcript NM_020822.3 (MANE Select); coding-DNA position 1423, G replaced by A.
Protein change: p.Ala475Thr; replaces alanine 475 with threonine.
Molecular consequence: missense variant.
Genome position (GRCh38, 1-based): chr9:135,768,850, G>A. VCF-style: chr9-135768850-G-A. GRCh37 (hg19) VCF-style: chr9-138660696-G-A.
Other names: c.1288G>A, p.Ala430Thr (NM_001272003.2); short protein forms A430T, A475T.
Identifiers: ClinVar variation 846823 (VCV000846823.8), dbSNP rs144956052, ClinGen allele CA5326904.

ClinVar aggregate classification (germline): Uncertain significance (1 of 4 stars; one submission).

Conditions:
Autosomal dominant nocturnal frontal lobe epilepsy 5. Also called: CILIARY DYSKINESIA, PRIMARY, 28, WITHOUT SITUS INVERSUS; KCNT1-Related Epilepsy; CILIARY DYSKINESIA, PRIMARY, 28, WITH SITUS INVERSUS; Epilepsy, nocturnal frontal lobe, 5. Identifiers: Orphanet 98784, MedGen C3554306, MONDO:0014002, OMIM 615005.
Developmental and epileptic encephalopathy, 14 (DEE14). Also called: Early infantile epileptic encephalopathy 14. Identifiers: Orphanet 293181, MedGen C3554195, MONDO:0013989, OMIM 614959.

Allele frequency attached by ClinVar (database versions not stated): TOPMed below 0.00001; gnomAD 0.00001; gnomAD exomes 0.00001; ExAC 0.00002; ESP Exome Variant Server 0.00008.
gnomAD v4.1: 6 of 1,612,782 alleles (0.00037%); highest among the groups gnomAD compares: East Asian, 0.0022%; no homozygotes.

Submission:

Labcorp Genetics (formerly Invitae), Labcorp
Classification: Uncertain significance for Autosomal dominant nocturnal frontal lobe epilepsy 5; Developmental and epileptic encephalopathy, 14. Last evaluated: 2021-12-15. Review status: criteria provided, single submitter. Criteria: Invitae Variant Classification Sherloc (09022015). Collection method: clinical testing. Allele origin: germline.
Comment: This sequence change replaces alanine, which is neutral and non-polar, with threonine, which is neutral and polar, at codon 475 of the KCNT1 protein (p.Ala475Thr). This variant is present in population databases (rs144956052, gnomAD 0.006%). This variant has not been reported in the literature in individuals affected with KCNT1-related conditions. ClinVar contains an entry for this variant (Variation ID: 846823). Advanced modeling of protein sequence and biophysical properties (such as structural, functional, and spatial information, amino acid conservation, physicochemical variation, residue mobility, and thermodynamic stability) performed at Invitae indicates that this missense variant is expected to disrupt KCNT1 protein function. In summary, the available evidence is currently insufficient to determine the role of this variant in disease. Therefore, it has been classified as a Variant of Uncertain Significance.